The following is an entry in ClinVar:

ClinVar aggregate classification (germline): Conflicting classifications of pathogenicity. Review status: criteria provided, conflicting classifications (1 of 4 stars). 2 submissions from 2 submitters: Uncertain significance (1); Likely benign (1). Last evaluated 2026-01-25.

Submissions (2):

Labcorp Genetics (formerly Invitae), Labcorp
Classification: Likely benign. Last evaluated: 2026-01-25. Review status: criteria provided, single submitter. Criteria: Invitae Variant Classification Sherloc (09022015). Collection method: clinical testing. Allele origin: germline.

Quest Diagnostics Nichols Institute San Juan Capistrano
Classification: Uncertain significance. Last evaluated: 2025-02-04. Review status: criteria provided, single submitter. Criteria: Quest Diagnostics criteria. Collection method: clinical testing. Allele origin: unknown.
Comment: The FH c.1237-9_1237-8insTCTC variant has not been reported in individuals with FH-related conditions in the published literature. The frequency of this variant in the general population (Genome Aggregation Database) is uninformative in the assessment of its pathogenicity. Analysis of this variant using software algorithms for the prediction of the effect of nucleotide changes on splicing yielded predictions that this variant does not affect FH mRNA splicing. Based on the available information, we are unable to determine the clinical significance of this variant.

NM_000143.4(FH):c.1237-9_1237-8insCTCT

Gene: FH (fumarate hydratase; minus strand). Cytogenetic location: 1q43.
Variant type: Microsatellite.
Coding change: c.1237-9_1237-8insCTCT on transcript NM_000143.4 (MANE Select); 9 bases into the intron before coding-DNA position 1237 through 8 bases into the intron before coding-DNA position 1237, CTCT inserted.
Molecular consequence: intron variant.
Genome position: GRCh38 VCF-style: chr1-241500598-T-TGAGA. GRCh37 (hg19) VCF-style: chr1-241663898-T-TGAGA.
Identifiers: ClinVar variation 701907 (VCV000701907.12), dbSNP rs1553340717, ClinGen allele CA530378955.